The following is an entry in ClinVar:

NM_002075.4(GNB3):c.124C>G (p.Arg42Gly)

Gene: GNB3 (G protein subunit beta 3; plus strand). Cytogenetic location: 12p13.31.
Variant type: single nucleotide variant.
Coding change: c.124C>G on transcript NM_002075.4 (MANE Select); coding-DNA position 124, C replaced by G.
Protein change: p.Arg42Gly; replaces arginine 42 with glycine.
Molecular consequence: missense variant.
Genome position (GRCh38, 1-based): chr12:6,842,997, C>G. VCF-style: chr12-6842997-C-G. GRCh37 (hg19) VCF-style: chr12-6952161-C-G.
Other names: c.124C>G, p.Arg42Gly (NM_001297571.2); short protein forms R42G.
Identifiers: ClinVar variation 2128706 (VCV002128706.4), dbSNP rs782043619, ClinGen allele CA383671615.
Genomic context (GRCh38, chr12:6,842,997, plus strand): 5'-TCACCCTGATATTCAGTGCCCCTCTCTCTGCAGCTGGTGTCTGGCCTAGAGGTGGTGGGA[C>G]GAGTCCAGATGCGGACGCGGCGGACGTTAAGGGGACACCTGGCCAAGATTTACGCCATGC-3'
Protein context (NP_002066.1, residues 32-52): ELVSGLEVVG[Arg42Gly]VQMRTRRTLR

ClinVar aggregate classification (germline): Uncertain significance (1 of 4 stars; one submission).

Submission:

Labcorp Genetics (formerly Invitae), Labcorp
Classification: Uncertain significance. Last evaluated: 2022-04-21. Review status: criteria provided, single submitter. Criteria: Invitae Variant Classification Sherloc (09022015). Collection method: clinical testing. Allele origin: germline.
Comment: In summary, the available evidence is currently insufficient to determine the role of this variant in disease. Therefore, it has been classified as a Variant of Uncertain Significance. Algorithms developed to predict the effect of missense changes on protein structure and function are either unavailable or do not agree on the potential impact of this missense change (SIFT: "Deleterious"; PolyPhen-2: "Benign"; Align-GVGD: "Class C0"). This variant has not been reported in the literature in individuals affected with GNB3-related conditions. This variant is not present in population databases (gnomAD no frequency). This sequence change replaces arginine, which is basic and polar, with glycine, which is neutral and non-polar, at codon 42 of the GNB3 protein (p.Arg42Gly).